The following is an entry in ClinVar:

NM_000059.4(BRCA2):c.4797del (p.Asn1599fs)

Gene: BRCA2 (BRCA2 DNA repair associated; plus strand). Cytogenetic location: 13q13.1.
Variant type: Deletion.
Coding change: c.4797del on transcript NM_000059.4 (MANE Select); coding-DNA position 4797, one base deleted (T; older notation c.4797delT).
Protein change: p.Asn1599fs; shifts the reading frame from asparagine 1599.
Molecular consequence: frameshift variant.
Genome position (GRCh38, 1-based): chr13:32,339,152, T deleted. VCF-style (leftmost placement, unchanged base first): chr13-32339151-AT-A. GRCh37 (hg19) VCF-style: chr13-32913288-AT-A.
Other names: 5025delT; c.4797delT (NM_000059.3).
Identifiers: ClinVar variation 51715 (VCV000051715.6), dbSNP rs80359465, ClinGen allele CA020842.

ClinVar aggregate classification (germline): Pathogenic. Review status: reviewed by expert panel (3 of 4 stars). 4 submissions from 4 submitters: Pathogenic (1). 3 of the submissions do not count toward it. Last evaluated 2016-09-08.

Conditions:
Breast-ovarian cancer, familial, susceptibility to, 2 (BROVCA2). Also called: BRCA2 Hereditary Breast and Ovarian Cancer. Identifiers: Orphanet 145, MedGen C2675520, MONDO:0012933, OMIM 612555. Disease mechanism: loss of function.
Hereditary cancer-predisposing syndrome. Also called: Neoplastic Syndromes, Hereditary; Tumor predisposition; Hereditary neoplastic syndrome; Hereditary Cancer Syndrome. Identifiers: Orphanet 140162, MedGen C0027672, MeSH D009386, MONDO:0015356.

Submissions (4):

Evidence-based Network for the Interpretation of Germline Mutant Alleles (ENIGMA)
Classification: Pathogenic for Breast-ovarian cancer, familial, susceptibility to, 2. Last evaluated: 2016-09-08. Review status: reviewed by expert panel. Criteria: ENIGMA BRCA1/2 Classification Criteria (2015). Collection method: curation. Allele origin: germline.
Comment: Variant allele predicted to encode a truncated non-functional protein.

Molecular Diagnostics Laboratory, Catalan Institute of Oncology
Classification: Pathogenic for Hereditary cancer-predisposing syndrome. Last evaluated: 2024-12-04. Review status: criteria provided, single submitter. Criteria: ClinGen BRCA1BRCA2 ACMG Specifications BRCA2 V1.0.0. Collection method: clinical testing. Allele origin: germline. Not counted in ClinVar's aggregate classification.
Comment: PVS1, PM5_PTC_Strong c.4797del, located in exon 11 of the BRCA2 gene, consists in the deletion of one nucleotide, causing a translational frameshift with a predicted alternate stop codon, p.(Asn1599Lysfs*18). This alteration is expected to result in loss of function by premature protein truncation and nonsense-mediated mRNA decay (PVS1, PM5_PTC_Strong). It is not present in the population database gnomAD v2.1.1, non cancer dataset. No effect is predicted on splicing by SpliceAI. To our knowledge, neither relevant clinical data nor well-established functional studies have been reported for this variant. In addition, this variant has been reported in the ClinVar database (2x pathogenic), in the LOVD database (2x pathogenic) and in the BRCA Exchange database as a pathogenic variant (‘Variant allele predicted to encode a truncated non-functional protein’). Based on currently available information, the variant c.4797del should be considered a pathogenic variant.

Consortium of Investigators of Modifiers of BRCA1/2 (CIMBA), c/o University of Cambridge
Classification: Pathogenic for Breast-ovarian cancer, familial, susceptibility to, 2. Last evaluated: 2015-10-02. Review status: criteria provided, single submitter. Criteria: CIMBA Mutation Classification guidelines May 2016. Collection method: clinical testing. Allele origin: germline. Not counted in ClinVar's aggregate classification.

Breast Cancer Information Core (BIC) (BRCA2)
Classification: Pathogenic for Breast-ovarian cancer, familial 2. Last evaluated: 2004-02-24. Review status: no assertion criteria provided. Collection method: clinical testing. Allele origin: germline. Affected: yes. Observed: 2 variant alleles. Not counted in ClinVar's aggregate classification.